The following is an entry in ClinVar:

NM_000535.7(PMS2):c.1133T>C (p.Leu378Pro)

Gene: PMS2 (PMS1 homolog 2, mismatch repair system component; minus strand). Cytogenetic location: 7p22.1.
Variant type: single nucleotide variant.
Coding change: c.1133T>C on transcript NM_000535.7 (MANE Select); coding-DNA position 1133, T replaced by C.
Protein change: p.Leu378Pro; replaces leucine 378 with proline.
Molecular consequence: missense variant. On other transcripts: non-coding transcript variant (1), intron variant (2).
Genome position (GRCh38, 1-based): chr7:5,989,811, A>G on the plus strand (T>C on the coding strand, the complement: PMS2 is on the minus strand). VCF-style: chr7-5989811-A-G. GRCh37 (hg19) VCF-style: chr7-6029442-A-G.
Other names: c.728T>C, p.Leu243Pro (NM_001322003.2, NM_001322004.2, NM_001322005.2 and 1 more transcripts); c.815T>C, p.Leu272Pro (NM_001322007.2, NM_001322008.2); c.200T>C, p.Leu67Pro (NM_001322011.2, NM_001322012.2); c.560T>C, p.Leu187Pro (NM_001322013.2); c.1133T>C, p.Leu378Pro (NM_001322014.2); c.824T>C, p.Leu275Pro (NM_001322015.2); c.583+2162T>C (NM_001322010.2); c.988+2162T>C (NM_001322006.2); and 1 more; short protein forms L243P, L272P, L187P, L378P, L275P, L67P.
Identifiers: ClinVar variation 1038692 (VCV001038692.10), dbSNP rs1783510761, ClinGen allele CA366742740.

ClinVar aggregate classification (germline): Uncertain significance. Review status: criteria provided, multiple submitters, no conflicts (2 of 4 stars). 2 submissions from 2 submitters: Uncertain significance (2). Last evaluated 2022-11-30.

Conditions:
Hereditary cancer-predisposing syndrome. Also called: Neoplastic Syndromes, Hereditary; Hereditary Cancer Syndrome; Tumor predisposition; Hereditary neoplastic syndrome. Identifiers: Orphanet 140162, MedGen C0027672, MeSH D009386, MONDO:0015356.
Hereditary nonpolyposis colorectal neoplasms. Identifiers: MedGen C0009405, MeSH D003123.

Submissions (2):

Ambry Genetics
Classification: Uncertain significance for Hereditary cancer-predisposing syndrome. Last evaluated: 2022-11-30. Review status: criteria provided, single submitter. Criteria: Ambry Variant Classification Scheme 2023. Collection method: clinical testing. Allele origin: germline.
Comment: The p.L378P variant (also known as c.1133T>C), located in coding exon 10 of the PMS2 gene, results from a T to C substitution at nucleotide position 1133. The leucine at codon 378 is replaced by proline, an amino acid with similar properties. This amino acid position is conserved. In addition, this alteration is predicted to be deleterious by in silico analysis. Since supporting evidence is limited at this time, the clinical significance of this alteration remains unclear.

Labcorp Genetics (formerly Invitae), Labcorp
Classification: Uncertain significance for Hereditary nonpolyposis colorectal neoplasms. Last evaluated: 2020-06-21. Review status: criteria provided, single submitter. Criteria: Invitae Variant Classification Sherloc (09022015). Collection method: clinical testing. Allele origin: germline.
Comment: This sequence change replaces leucine with proline at codon 378 of the PMS2 protein (p.Leu378Pro). The leucine residue is weakly conserved and there is a moderate physicochemical difference between leucine and proline. This variant is not present in population databases (ExAC no frequency). This variant has not been reported in the literature in individuals with PMS2-related conditions. Algorithms developed to predict the effect of missense changes on protein structure and function (SIFT, PolyPhen-2, Align-GVGD) all suggest that this variant is likely to be tolerated, but these predictions have not been confirmed by published functional studies and their clinical significance is uncertain. In summary, the available evidence is currently insufficient to determine the role of this variant in disease. Therefore, it has been classified as a Variant of Uncertain Significance.